The following is an entry in ClinVar:

ClinVar aggregate classification (germline): Uncertain significance. Review status: criteria provided, multiple submitters, no conflicts (2 of 4 stars). 2 submissions from 2 submitters: Uncertain significance (2). Last evaluated 2025-06-26.

Allele frequency attached by ClinVar (database versions not stated): gnomAD 0.00008.

Submissions (2):

Quest Diagnostics Nichols Institute San Juan Capistrano
Classification: Uncertain significance. Last evaluated: 2025-06-26. Review status: criteria provided, single submitter. Criteria: Quest Diagnostics criteria. Collection method: clinical testing. Allele origin: unknown.
Comment: The HBA1 c.95+5G>A variant, to the best of our knowledge, has not been reported in published literature. This variant is described in an online database as being associated with the Hb S variant (HbVar). The frequency of this variant in the general population (Genome Aggregation Database) is uninformative in the assessment of its pathogenicity. Analysis of this variant using software algorithms for the prediction of the effect of nucleotide changes on splicing yielded predictions that this variant may affect proper HBA1 mRNA splicing. Based on the available information, we are unable to determine the clinical significance of this variant.

ARUP Laboratories, Molecular Genetics and Genomics, ARUP Laboratories
Classification: Uncertain significance. Last evaluated: 2025-04-28. Review status: criteria provided, single submitter. Criteria: ARUP Molecular Germline Variant Investigation Process 2024. Collection method: clinical testing. Allele origin: germline.
Comment: The HBA1 c.95+5G>A variant (also known as IVS 1+5 G>A, rs63750918, HbVar ID: 2614, ClinVar Variation ID: 993069) was found in an individual with Hb S (see HbVar database). This variant is only observed on one allele in the Genome Aggregation Database (v2.1.1), indicating it is not a common polymorphism, but is considered a low confidence variant in the database. This is an intronic variant in a weakly conserved nucleotide, but computational analyses (Alamut Visual Plus v.1.12) predict that this variant may impact splicing by weakening the nearby canonical donor splice site. However, given the lack of clinical and functional data, the significance of this variant is uncertain at this time. References: Link to HbVar database

NM_000558.5(HBA1):c.95+5G>A

Genes: HBA1 (hemoglobin subunit alpha 1; plus strand), LOC106804613 (hemoglobin subunit alpha 1 recombination region; plus strand). Cytogenetic location: 16p13.3.
Variant type: single nucleotide variant.
Coding change: c.95+5G>A on transcript NM_000558.5 (MANE Select); 5 bases into the intron after coding-DNA position 95, G replaced by A.
Molecular consequence: intron variant.
Genome position (GRCh38, 1-based): chr16:176,816, G>A. VCF-style: chr16-176816-G-A. GRCh37 (hg19) VCF-style: chr16-226815-G-A.
Identifiers: ClinVar variation 993069 (VCV000993069.4), dbSNP rs63750918, ClinGen allele CA276416595.